The following is an entry in ClinVar:

ClinVar aggregate classification (germline): Conflicting classifications of pathogenicity. Review status: criteria provided, conflicting classifications (1 of 4 stars). 3 submissions from 3 submitters: Uncertain significance (1); Likely benign (1). 1 of the submissions does not count toward it. Last evaluated 2026-01-19.

Conditions:
Inborn genetic diseases. Identifiers: MedGen C0950123, MeSH D030342.
Pallister-Hall syndrome (PHS). Also called: GLI3-Related Pallister-Hall Syndrome; HYPOTHALAMIC HAMARTOBLASTOMA, HYPOPITUITARISM, IMPERFORATE ANUS, AND POSTAXIAL POLYDACTYLY. Identifiers: Orphanet 672, MedGen C0265220, MONDO:0007804, OMIM 146510.
Greig cephalopolysyndactyly syndrome (GCPS). Also called: POLYSYNDACTYLY WITH PECULIAR SKULL SHAPE; GLI3-Related Greig Cephalopolysyndactyly Syndrome; Greig syndrome. Identifiers: Orphanet 380, MedGen C0265306, MONDO:0008287, OMIM 175700.
GLI3-related disorder. Also called: GLI3-related disorders; GLI3-related condition. Identifiers: MedGen CN239292.

Allele frequency attached by ClinVar (database versions not stated): TOPMed below 0.00001; gnomAD 0.00001; ExAC 0.00006; 1000 Genomes Project 30x 0.00016; 1000 Genomes Project 0.00020.
gnomAD v4.1: 38 of 1,613,880 alleles (0.0024%); highest among the groups gnomAD compares: East Asian, 0.013%; no homozygotes.

Submissions (3):

Labcorp Genetics (formerly Invitae), Labcorp
Classification: Likely benign for Pallister-Hall syndrome; Greig cephalopolysyndactyly syndrome. Last evaluated: 2026-01-19. Review status: criteria provided, single submitter. Criteria: Invitae Variant Classification Sherloc (09022015). Collection method: clinical testing. Allele origin: germline.

Ambry Genetics
Classification: Uncertain significance for Inborn genetic diseases. Last evaluated: 2023-12-21. Review status: criteria provided, single submitter. Criteria: Ambry Variant Classification Scheme 2023. Collection method: clinical testing. Allele origin: germline.

PreventionGenetics, part of Exact Sciences
Classification: Uncertain significance for GLI3-related condition. Last evaluated: 2024-06-18. Review status: no assertion criteria provided. Collection method: clinical testing. Allele origin: germline. Not counted in ClinVar's aggregate classification.
Comment: The GLI3 c.863C>T variant is predicted to result in the amino acid substitution p.Pro288Leu. To our knowledge, this variant has not been reported in the literature. This variant is reported in 0.022% of alleles in individuals of East Asian descent in gnomAD. Although we suspect that this variant may be benign, at this time, the clinical significance of this variant is uncertain due to the absence of conclusive functional and genetic evidence.

NM_000168.6(GLI3):c.863C>T (p.Pro288Leu)

Gene: GLI3 (GLI family zinc finger 3; minus strand). Cytogenetic location: 7p14.1.
Variant type: single nucleotide variant.
Coding change: c.863C>T on transcript NM_000168.6 (MANE Select); coding-DNA position 863, C replaced by T.
Protein change: p.Pro288Leu; replaces proline 288 with leucine.
Molecular consequence: missense variant.
Genome position (GRCh38, 1-based): chr7:42,040,203, G>A on the plus strand (C>T on the coding strand, the complement: GLI3 is on the minus strand). VCF-style: chr7-42040203-G-A. GRCh37 (hg19) VCF-style: chr7-42079802-G-A.
Other names: short protein forms P288L.
Identifiers: ClinVar variation 3100206 (VCV003100206.3), dbSNP rs543447540, ClinGen allele CA4231032.
Genomic context (GRCh38, chr7:42,040,203, plus strand): 5'-GTCTGAAGGTCAAAGCTATGATCGGAGAGTGGTGATATGGACAGTGTACGTTTTCGGCTC[G>A]GCCTGGCTGACAGCCTGGGGCTGGAGAATCTGGTGCCTGTTATATAAACAAAAAAGAACC-3'
Protein context (NP_000159.3, residues 278-298): RFSSPRLSAR[Pro288Leu]SRKRTLSISP